The following is an entry in ClinVar:

ClinVar aggregate classification (germline): Conflicting classifications of pathogenicity. Review status: criteria provided, conflicting classifications (1 of 4 stars). 4 submissions from 4 submitters: Likely pathogenic (2); Uncertain significance (2). Last evaluated 2026-06-30.

Conditions:
Cardiovascular phenotype. Identifiers: MedGen CN230736.
Hereditary cancer-predisposing syndrome. Also called: Hereditary Cancer Syndrome; Hereditary neoplastic syndrome; Neoplastic Syndromes, Hereditary; Tumor predisposition. Identifiers: Orphanet 140162, MedGen C0027672, MeSH D009386, MONDO:0015356.
LZTR1-related schwannomatosis. Also called: Schwannomatosis-2, susceptibility to; Schwannomatosis 2. Identifiers: Orphanet 93921, MedGen C3810283, MONDO:0014299, OMIM 615670.

gnomAD v4.1: 6 of 1,612,140 alleles (0.00037%); highest among the groups gnomAD compares: South Asian, 0.0011%; no homozygotes.

Submissions (4):

Ambry Genetics
Classification: Likely pathogenic for Cardiovascular phenotype; Hereditary cancer-predisposing syndrome. Last evaluated: 2026-06-30. Review status: criteria provided, single submitter. Criteria: Ambry Variant Classification Scheme 2023. Collection method: clinical testing. Allele origin: germline.
Comment: The c.2326-1G>A intronic variant results from a G to A substitution one nucleotide upstream from coding exon 20 of the LZTR1 gene. This variant was reported in individual(s) with isolated multiple caf&eacute;-au-lait macules (Mastromoro G et al. Genet Med, 2024 Nov;26:101241). Alterations that disrupt the canonical splice site are expected to cause aberrant splicing, resulting in an abnormal protein or a transcript that is subject to nonsense-mediated mRNA decay. In silico splice site analysis predicts that this alteration will weaken the native splice acceptor site; however, direct evidence is insufficient at this time (Ambry internal data). The resulting transcript is predicted to be in-frame and is not expected to trigger nonsense-mediated mRNAdecay; however, direct evidence is unavailable. The exact functional effect of the altered amino acid sequence is unknown; however, the impacted region is critical for protein function (Ambry internal data). This nucleotide position is highly conserved in available vertebrate species. This variant is considered to be rare based on population cohorts in the Genome Aggregation Database (gnomAD). Based on the supporting evidence, this variant is likely pathogenic for an increased risk of LZTR1-related schwannomatosis (SWN) and would be expected to cause autosomal recessive Noonan syndrome when present along with a second pathogenic variant on the other allele; however, its clinical significance for autosomal dominant Noonan syndrome is unclear.

Institute for Genomic Medicine (IGM) Clinical Laboratory, Nationwide Children's Hospital
Classification: Uncertain significance for LZTR1-related schwannomatosis. Last evaluated: 2025-04-22. Review status: criteria provided, single submitter. Criteria: ACMG Guidelines, 2015. Collection method: clinical testing. Allele origin: germline.
Comment: This variant is predicted to result in loss of function through nonsense-mediated decay of the encoded transcript or premature truncation of the encoded protein in a gene in which loss of function is a known mechanism of disease (ACMG/AMP: PVS1_Moderate; PMIDs:24362817, 25335493, 25795793, 30442762, 30859559). This variant is absent from or present at an exceedingly low frequency in gnomAD, a large-scale control population database (ACMG/AMP: PM2).

ARUP Laboratories, Molecular Genetics and Genomics, ARUP Laboratories
Classification: Uncertain significance. Last evaluated: 2024-09-12. Review status: criteria provided, single submitter. Criteria: ARUP Molecular Germline Variant Investigation Process 2024. Collection method: clinical testing. Allele origin: germline.
Comment: The LZTR1 c.2326-1G>A variant (rs1290087666), to our knowledge, is not reported in the medical literature but is reported in ClinVar (Variation ID: 1789648). This variant is only observed on one allele in the Genome Aggregation Database (v2.1.1), indicating it is not a common polymorphism. This variant disrupts the canonical splice acceptor site of intron 19, however, the transcript is predicted to maintain the reading frame even after exon skipping and therefore, not expected to undergo nonsense-mediated decay. Due to limited information, the clinical significance of this variant is uncertain at this time.

Labcorp Genetics (formerly Invitae), Labcorp
Classification: Likely pathogenic. Last evaluated: 2024-04-17. Review status: criteria provided, single submitter. Criteria: Invitae Variant Classification Sherloc (09022015). Collection method: clinical testing. Allele origin: germline.
Comment: This sequence change affects an acceptor splice site in intron 19 of the LZTR1 gene. It is expected to disrupt RNA splicing. Variants that disrupt the donor or acceptor splice site typically lead to a loss of protein function (PMID: 16199547), and loss-of-function variants in LZTR1 are known to be pathogenic (PMID: 24362817, 25335493, 25480913, 25795793, 29469822, 30368668, 30442762, 30442766, 30481304, 30859559). This variant is present in population databases (no rsID available, gnomAD 0.0009%). This variant has not been reported in the literature in individuals affected with LZTR1-related conditions. ClinVar contains an entry for this variant (Variation ID: 1789648). Algorithms developed to predict the effect of sequence changes on RNA splicing suggest that this variant may disrupt the consensus splice site. In summary, the currently available evidence indicates that the variant is pathogenic, but additional data are needed to prove that conclusively. Therefore, this variant has been classified as Likely Pathogenic.

Literature cited by the submitters: PubMed 39140257 (cited by Ambry Genetics); PubMed 24362817 (cited by Institute for Genomic Medicine (IGM) Clinical Laboratory, Nationwide Children's Hospital and Labcorp Genetics (formerly Invitae), Labcorp); PubMed 25335493 (cited by Institute for Genomic Medicine (IGM) Clinical Laboratory, Nationwide Children's Hospital and Labcorp Genetics (formerly Invitae), Labcorp); PubMed 25795793 (cited by Institute for Genomic Medicine (IGM) Clinical Laboratory, Nationwide Children's Hospital and Labcorp Genetics (formerly Invitae), Labcorp); PubMed 30442762 (cited by Institute for Genomic Medicine (IGM) Clinical Laboratory, Nationwide Children's Hospital and Labcorp Genetics (formerly Invitae), Labcorp); PubMed 30859559 (cited by Institute for Genomic Medicine (IGM) Clinical Laboratory, Nationwide Children's Hospital and Labcorp Genetics (formerly Invitae), Labcorp); PubMed 16199547 (cited by Labcorp Genetics (formerly Invitae), Labcorp); PubMed 25480913 (cited by Labcorp Genetics (formerly Invitae), Labcorp); PubMed 29469822 (cited by Labcorp Genetics (formerly Invitae), Labcorp); PubMed 30368668 (cited by Labcorp Genetics (formerly Invitae), Labcorp); PubMed 30442766 (cited by Labcorp Genetics (formerly Invitae), Labcorp); PubMed 30481304 (cited by Labcorp Genetics (formerly Invitae), Labcorp).

NM_006767.4(LZTR1):c.2326-1G>A

Gene: LZTR1 (leucine zipper like post translational regulator 1; plus strand). Cytogenetic location: 22q11.21.
Variant type: single nucleotide variant.
Coding change: c.2326-1G>A on transcript NM_006767.4 (MANE Select); the canonical splice acceptor site of the intron before coding-DNA position 2326, G replaced by A.
Molecular consequence: splice acceptor variant.
Genome position (GRCh38, 1-based): chr22:20,996,885, G>A. VCF-style: chr22-20996885-G-A. GRCh37 (hg19) VCF-style: chr22-21351174-G-A.
Identifiers: ClinVar variation 1789648 (VCV001789648.9), dbSNP rs1290087666, ClinGen allele CA410780959.